The following is an entry in ClinVar:

ClinVar aggregate classification (germline): Uncertain significance (1 of 4 stars; one submission).

Conditions:
Amyotrophic lateral sclerosis type 21. Also called: MYOPATHY, DISTAL, 2; VOCAL CORD AND PHARYNGEAL DYSFUNCTION WITH DISTAL MYOPATHY. Identifiers: Orphanet 600, Orphanet 803, MedGen C3807521, MONDO:0011632, OMIM 606070.

Submission:

Labcorp Genetics (formerly Invitae), Labcorp
Classification: Uncertain significance for Amyotrophic lateral sclerosis type 21. Last evaluated: 2025-05-14. Review status: criteria provided, single submitter. Criteria: Invitae Variant Classification Sherloc (09022015). Collection method: clinical testing. Allele origin: germline.
Comment: This sequence change falls in intron 17 of the MATR3 gene. It does not directly change the encoded amino acid sequence of the MATR3 protein. This variant is not present in population databases (gnomAD no frequency). This variant has not been reported in the literature in individuals affected with MATR3-related conditions. ClinVar contains an entry for this variant (Variation ID: 2795129). Algorithms developed to predict the effect of sequence changes on RNA splicing suggest that this variant may disrupt the consensus splice site. In summary, the available evidence is currently insufficient to determine the role of this variant in disease. Therefore, it has been classified as a Variant of Uncertain Significance.

NM_018834.6(MATR3):c.2494-14_2494-11del

Gene: MATR3 (matrin 3; plus strand). Cytogenetic location: 5q31.2.
Variant type: Deletion.
Coding change: c.2494-14_2494-11del on transcript NM_018834.6 (MANE Select); 14 bases into the intron before coding-DNA position 2494 through 11 bases into the intron before coding-DNA position 2494, 4 bases deleted (CTCT; older notation c.2494-14_2494-11delCTCT).
Molecular consequence: intron variant.
Genome position (GRCh38, 1-based): chr5:139,329,331-139,329,334, CTCT deleted; deleting any 4 consecutive bases within chr5:139,329,330-139,329,334 gives the same sequence; the c. name uses the placement nearest the transcript's 3' end. VCF-style (leftmost placement, unchanged base first): chr5-139329329-TTCTC-T. GRCh37 (hg19) VCF-style: chr5-138665018-TTCTC-T.
Other names: c.2494-14_2494-11del (NM_001400451.1, NM_001400450.1, NM_001400455.1 and 11 more transcripts); c.2638-14_2638-11del (NM_001400441.1, NM_001400444.1, NM_001400442.1 and 2 more transcripts); c.1633-14_1633-11del (NM_001400459.1); c.1480-14_1480-11del (NM_001400463.1, NM_001282278.2, NM_001400462.1 and 4 more transcripts); c.1624-14_1624-11del (NM_001400460.1); c.1594-14_1594-11del (NM_001400461.1); c.1630-14_1630-11del (NM_001194956.2).
Identifiers: ClinVar variation 2795129 (VCV002795129.3), dbSNP rs756391139, ClinGen allele CA1082119593.
Genomic context (GRCh38, chr5:139,329,329, plus strand): 5'-ATTTGATTTTGGAATTAATCCATTTTGCTGCATTTCTCTTAGGTGACTTAATGGCTGTAA[TTCTC>T]TTTCTTTATAGAAATTTCTGAATAAATTGGCAGAAGAACGCAGACAGAAGAAGGAAACTT-3'